The following is an entry in ClinVar:

NM_001605.3(AARS1):c.751C>T (p.Leu251=)

Gene: AARS1 (alanyl-tRNA synthetase 1; minus strand). Cytogenetic location: 16q22.1.
Variant type: single nucleotide variant.
Coding change: c.751C>T on transcript NM_001605.3 (MANE Select); coding-DNA position 751, C replaced by T.
Protein change: p.Leu251=; no amino-acid change (leucine 251 retained).
Molecular consequence: synonymous variant.
Genome position (GRCh38, 1-based): chr16:70,270,261, G>A on the plus strand (C>T on the coding strand, the complement: AARS1 is on the minus strand). VCF-style: chr16-70270261-G-A. GRCh37 (hg19) VCF-style: chr16-70304164-G-A.
Identifiers: ClinVar variation 976519 (VCV000976519.33), dbSNP rs375106256, ClinGen allele CA283440483.

ClinVar aggregate classification (germline): Likely benign. Review status: criteria provided, multiple submitters, no conflicts (2 of 4 stars). 2 submissions from 2 submitters: Likely benign (2). Last evaluated 2023-08-29.

Conditions:
Charcot-Marie-Tooth disease type 2. Also called: Charcot-Marie-Tooth type 2. Identifiers: Orphanet 64746, MedGen C0270914, MONDO:0018993.

Allele frequency attached by ClinVar (database versions not stated): gnomAD exomes below 0.00001 and 0.00001; ESP Exome Variant Server 0.00008.
gnomAD v4.1: 2 of 1,614,158 alleles (0.00012%); highest among the groups gnomAD compares: Non-Finnish European, 0.00017%; no homozygotes.

Submissions (2):

Labcorp Genetics (formerly Invitae), Labcorp
Classification: Likely benign for Charcot-Marie-Tooth disease type 2. Last evaluated: 2023-08-29. Review status: criteria provided, single submitter. Criteria: Invitae Variant Classification Sherloc (09022015). Collection method: clinical testing. Allele origin: germline.

CeGaT Center for Human Genetics Tuebingen
Classification: Likely benign. Last evaluated: 2022-08-01. Review status: criteria provided, single submitter. Criteria: CeGaT Center For Human Genetics Tuebingen Variant Classification Criteria Version 2. Collection method: clinical testing. Allele origin: germline. Affected: yes. Observed: 1 variant allele.
Comment: AARS1: BP4, BP7